The following is an entry in ClinVar:

ClinVar aggregate classification (germline): Uncertain significance (1 of 4 stars; one submission).

Submission:

GeneDx
Classification: Uncertain significance. Last evaluated: 2024-08-09. Review status: criteria provided, single submitter. Criteria: GeneDx Variant Classification Process June 2021. Collection method: clinical testing. Allele origin: germline. Affected: yes.
Comment: Not observed at significant frequency in large population cohorts (gnomAD); In silico analysis supports that this missense variant has a deleterious effect on protein structure/function; Has not been previously published as pathogenic or benign to our knowledge

NM_006421.5(ARFGEF1):c.1456T>C (p.Cys486Arg)

Gene: ARFGEF1 (ARF guanine nucleotide exchange factor 1; minus strand). Cytogenetic location: 8q13.2.
Variant type: single nucleotide variant.
Coding change: c.1456T>C on transcript NM_006421.5 (MANE Select); coding-DNA position 1456, T replaced by C.
Protein change: p.Cys486Arg; replaces cysteine 486 with arginine.
Molecular consequence: missense variant. On other transcripts: non-coding transcript variant (1).
Genome position (GRCh38, 1-based): chr8:67,271,818, A>G on the plus strand (T>C on the coding strand, the complement: ARFGEF1 is on the minus strand). VCF-style: chr8-67271818-A-G. GRCh37 (hg19) VCF-style: chr8-68184053-A-G.
Other names: c.1456T>C, p.Cys486Arg (NM_001413184.1, NM_001413185.1, NM_001413186.1 and 7 more transcripts); c.856T>C, p.Cys286Arg (NM_001413188.1, NM_001413193.1, NM_001413197.1); c.31T>C, p.Cys11Arg (NM_001413196.1); short protein forms C11R, C286R, C486R.
Identifiers: ClinVar variation 3602904 (VCV003602904.1).